The following is an entry in ClinVar:

ClinVar aggregate classification (germline): Uncertain significance. Review status: criteria provided, multiple submitters, no conflicts (2 of 4 stars). 2 submissions from 2 submitters: Uncertain significance (2). Last evaluated 2022-06-11.

Conditions:
Acromesomelic dysplasia 1, Maroteaux type (AMD1). Also called: ST. HELENA DYSPLASIA; ACROMESOMELIC DYSPLASIA 1. Identifiers: Orphanet 40, MedGen C1864356, MONDO:0011275, OMIM 602875.
Tall stature-scoliosis-macrodactyly of the great toes syndrome. Also called: Epiphyseal chondrodysplasia, miura type. Identifiers: Orphanet 329191, MedGen C4014690, MONDO:0014401, OMIM 615923.

Allele frequency attached by ClinVar (database versions not stated): gnomAD exomes below 0.00001 and 0.00002; ExAC 0.00003.

Submissions (2):

Labcorp Genetics (formerly Invitae), Labcorp
Classification: Uncertain significance for Tall stature-scoliosis-macrodactyly of the great toes syndrome; Acromesomelic dysplasia 1, Maroteaux type. Last evaluated: 2022-06-11. Review status: criteria provided, single submitter. Criteria: Invitae Variant Classification Sherloc (09022015). Collection method: clinical testing. Allele origin: germline.
Comment: In summary, the available evidence is currently insufficient to determine the role of this variant in disease. Therefore, it has been classified as a Variant of Uncertain Significance. Variants that disrupt the consensus splice site are a relatively common cause of aberrant splicing (PMID: 17576681, 9536098). Algorithms developed to predict the effect of sequence changes on RNA splicing suggest that this variant is not likely to affect RNA splicing. ClinVar contains an entry for this variant (Variation ID: 913371). This variant has not been reported in the literature in individuals affected with NPR2-related conditions. This variant is present in population databases (rs749445629, gnomAD 0.004%). This sequence change falls in intron 16 of the NPR2 gene. It does not directly change the encoded amino acid sequence of the NPR2 protein. It affects a nucleotide within the consensus splice site.

Illumina Laboratory Services, Illumina
Classification: Uncertain significance for Acromesomelic dysplasia 1, Maroteaux type. Last evaluated: 2018-01-12. Review status: criteria provided, single submitter. Criteria: ICSL Variant Classification Criteria 13 December 2019. Collection method: clinical testing. Allele origin: germline.

Literature cited by the submitters: PubMed 17576681 (cited by Labcorp Genetics (formerly Invitae), Labcorp); PubMed 9536098 (cited by Labcorp Genetics (formerly Invitae), Labcorp).

NM_003995.4(NPR2):c.2519+3G>A

Gene: NPR2 (natriuretic peptide receptor 2; plus strand). Cytogenetic location: 9p13.3.
Variant type: single nucleotide variant.
Coding change: c.2519+3G>A on transcript NM_003995.4 (MANE Select); 3 bases into the intron after coding-DNA position 2519, G replaced by A.
Molecular consequence: intron variant.
Genome position (GRCh38, 1-based): chr9:35,806,541, G>A. VCF-style: chr9-35806541-G-A. GRCh37 (hg19) VCF-style: chr9-35806538-G-A.
Identifiers: ClinVar variation 913371 (VCV000913371.8), dbSNP rs749445629, ClinGen allele CA5051978.